The following is an entry in ClinVar:

NM_007327.4(GRIN1):c.1150G>C (p.Gly384Arg)

Gene: GRIN1 (glutamate ionotropic receptor NMDA type subunit 1; plus strand). Cytogenetic location: 9q34.3.
Variant type: single nucleotide variant.
Coding change: c.1150G>C on transcript NM_007327.4 (MANE Select); coding-DNA position 1150, G replaced by C.
Protein change: p.Gly384Arg; replaces glycine 384 with arginine.
Molecular consequence: missense variant.
Genome position (GRCh38, 1-based): chr9:137,158,657, G>C. VCF-style: chr9-137158657-G-C. GRCh37 (hg19) VCF-style: chr9-140053109-G-C.
Other names: c.1150G>C, p.Gly384Arg (NM_000832.7, NM_021569.4); c.1213G>C, p.Gly405Arg (NM_001185090.2, NM_001185091.2); short protein forms G405R, G384R.
Identifiers: ClinVar variation 3522682 (VCV003522682.3).

ClinVar aggregate classification (germline): Uncertain significance. Review status: criteria provided, multiple submitters, no conflicts (2 of 4 stars). 2 submissions from 2 submitters: Uncertain significance (2). Last evaluated 2024-08-19.

Conditions:
Inborn genetic diseases. Identifiers: MedGen C0950123, MeSH D030342.
Neurodevelopmental disorder with or without hyperkinetic movements and seizures, autosomal dominant. Also called: Intellectual disability, autosomal dominant 8. Identifiers: MedGen C3280282, MONDO:0013655, OMIM 614254.

Submissions (2):

Ambry Genetics
Classification: Uncertain significance for Inborn genetic diseases. Last evaluated: 2024-08-19. Review status: criteria provided, single submitter. Criteria: Ambry Variant Classification Scheme 2023. Collection method: clinical testing. Allele origin: germline.

Labcorp Genetics (formerly Invitae), Labcorp
Classification: Uncertain significance for Neurodevelopmental disorder with or without hyperkinetic movements and seizures, autosomal dominant. Last evaluated: 2024-07-22. Review status: criteria provided, single submitter. Criteria: Invitae Variant Classification Sherloc (09022015). Collection method: clinical testing. Allele origin: germline.
Comment: This sequence change replaces glycine, which is neutral and non-polar, with arginine, which is basic and polar, at codon 384 of the GRIN1 protein (p.Gly384Arg). This variant is not present in population databases (gnomAD no frequency). This variant has not been reported in the literature in individuals affected with GRIN1-related conditions. Advanced modeling of protein sequence and biophysical properties (such as structural, functional, and spatial information, amino acid conservation, physicochemical variation, residue mobility, and thermodynamic stability) has been performed at Invitae for this missense variant, however the output from this modeling did not meet the statistical confidence thresholds required to predict the impact of this variant on GRIN1 protein function. In summary, the available evidence is currently insufficient to determine the role of this variant in disease. Therefore, it has been classified as a Variant of Uncertain Significance.